The following is an entry in ClinVar:

NM_000090.4(COL3A1):c.1581T>C (p.Asp527=)

Gene: COL3A1 (collagen type III alpha 1 chain; plus strand). Cytogenetic location: 2q32.2.
Variant type: single nucleotide variant.
Coding change: c.1581T>C on transcript NM_000090.4 (MANE Select); coding-DNA position 1581, T replaced by C.
Protein change: p.Asp527=; no amino-acid change (aspartic acid 527 retained).
Molecular consequence: synonymous variant.
Genome position (GRCh38, 1-based): chr2:188,995,763, T>C. VCF-style: chr2-188995763-T-C. GRCh37 (hg19) VCF-style: chr2-189860489-T-C.
Identifiers: ClinVar variation 618032 (VCV000618032.13), dbSNP rs890700564, ClinGen allele CA62596986.

ClinVar aggregate classification (germline): Likely benign. Review status: criteria provided, multiple submitters, no conflicts (2 of 4 stars). 4 submissions from 4 submitters: Likely benign (4). Last evaluated 2023-09-17.

Conditions:
Familial thoracic aortic aneurysm and aortic dissection (TAAD). Also called: Thoracic aortic aneurysms and dissections. Identifiers: Orphanet 91387, MedGen C4707243, MONDO:0019625.
Ehlers-Danlos syndrome, type 4 (EDSVASC). Also called: Ehlers-Danlos syndrome vascular type; Ehlers Danlos syndrome, ecchymotic type; Ehlers Danlos syndrome, arterial type; Ehlers Danlos syndrome, Sack-Barabas type; Ehlers-Danlos Syndrome Type IV. Identifiers: Orphanet 286, MedGen C0268338, MONDO:0017314, OMIM 130050.

Allele frequency attached by ClinVar (database versions not stated): gnomAD exomes below 0.00001 and 0.00001; gnomAD 0.00001; TOPMed 0.00003.
gnomAD v4.1: 8 of 1,564,196 alleles (0.00051%); highest among the groups gnomAD compares: African/African-American, 0.0082%; no homozygotes.

Submissions (4):

All of Us Research Program, National Institutes of Health
Classification: Likely benign for Ehlers-Danlos syndrome, type 4. Last evaluated: 2023-09-17. Review status: criteria provided, single submitter. Criteria: ACMG Guidelines, 2015. Collection method: clinical testing. Allele origin: germline. Inheritance: Autosomal dominant inheritance. Observed: 2 variant alleles, 2 heterozygotes.
Comment: This study involves interpretation of variants in research participants for the purpose of population health screening. Participant phenotype was not available at the time of variant classification. Additional details can be found in publication PMID: 35346344, PMCID: PMC8962531

Labcorp Genetics (formerly Invitae), Labcorp
Classification: Likely benign for Ehlers-Danlos syndrome, type 4. Last evaluated: 2023-07-14. Review status: criteria provided, single submitter. Criteria: Invitae Variant Classification Sherloc (09022015). Collection method: clinical testing. Allele origin: germline.

Color Diagnostics, LLC DBA Color Health
Classification: Likely benign for Familial thoracic aortic aneurysm and aortic dissection. Last evaluated: 2022-11-06. Review status: criteria provided, single submitter. Criteria: ACMG Guidelines, 2015. Collection method: clinical testing. Allele origin: germline.

ARUP Laboratories, Molecular Genetics and Genomics, ARUP Laboratories
Classification: Likely benign. Last evaluated: 2017-10-22. Review status: criteria provided, single submitter. Criteria: ARUP Molecular Germline Variant Investigation Process. Collection method: clinical testing. Allele origin: germline.